The following is an entry in ClinVar:

ClinVar aggregate classification (germline): Likely benign. Review status: criteria provided, multiple submitters, no conflicts (2 of 4 stars). 7 submissions from 7 submitters: Likely benign (7). Last evaluated 2024-10-24.

Conditions:
Familial thoracic aortic aneurysm and aortic dissection (TAAD). Also called: Thoracic aortic aneurysms and dissections. Identifiers: Orphanet 91387, MedGen C4707243, MONDO:0019625.
Marfan syndrome (MFS). Also called: MARFAN SYNDROME, TYPE I; Marfan syndrome, classic; FBN1-Related Marfan Syndrome; Marfan syndrome type 1; Marfan's syndrome. Identifiers: Orphanet 284963, Orphanet 558, MedGen C0024796, MONDO:0007947, OMIM 154700.

Allele frequency attached by ClinVar (database versions not stated): gnomAD 0.00001; gnomAD exomes 0.00001 and below 0.00001; TOPMed below 0.00001.
gnomAD v4.1: 12 of 1,613,874 alleles (0.00074%); highest among the groups gnomAD compares: East Asian, 0.0022%; no homozygotes.

Submissions (7):

Ambry Genetics
Classification: Likely benign for Familial thoracic aortic aneurysm and aortic dissection. Last evaluated: 2024-10-24. Review status: criteria provided, single submitter. Criteria: Ambry Variant Classification Scheme 2023. Collection method: clinical testing. Allele origin: germline.

Labcorp Genetics (formerly Invitae), Labcorp
Classification: Likely benign for Marfan syndrome; Familial thoracic aortic aneurysm and aortic dissection. Last evaluated: 2024-08-02. Review status: criteria provided, single submitter. Criteria: Invitae Variant Classification Sherloc (09022015). Collection method: clinical testing. Allele origin: germline.

All of Us Research Program, National Institutes of Health
Classification: Likely benign for Marfan syndrome. Last evaluated: 2023-02-22. Review status: criteria provided, single submitter. Criteria: ACMG Guidelines, 2015. Collection method: clinical testing. Allele origin: germline. Inheritance: Autosomal dominant inheritance. Observed: 1 variant allele, 1 heterozygote.
Comment: This study involves interpretation of variants in research participants for the purpose of population health screening. Participant phenotype was not available at the time of variant classification. Additional details can be found in publication PMID: 35346344, PMCID: PMC8962531

Color Diagnostics, LLC DBA Color Health
Classification: Likely benign for Familial thoracic aortic aneurysm and aortic dissection. Last evaluated: 2022-07-25. Review status: criteria provided, single submitter. Criteria: ACMG Guidelines, 2015. Collection method: clinical testing. Allele origin: germline.

Blueprint Genetics
Classification: Likely benign. Last evaluated: 2022-06-07. Review status: criteria provided, single submitter. Criteria: ACMG Guidelines, 2015. Collection method: clinical testing. Allele origin: germline.

CeGaT Center for Human Genetics Tuebingen
Classification: Likely benign. Last evaluated: 2020-06-01. Review status: criteria provided, single submitter. Criteria: CeGaT Center For Human Genetics Tuebingen Variant Classification Criteria Version 2. Collection method: clinical testing. Allele origin: germline. Affected: yes. Observed: 1 variant allele.

Women's Health and Genetics/Laboratory Corporation of America, LabCorp
Classification: Likely benign for Marfan Syndrome. Last evaluated: 2011-08-18. Review status: criteria provided, single submitter. Criteria: LabCorp Variant Classification Summary - May 2015. Collection method: curation, clinical testing. Allele origin: germline. Inheritance: autosomal unknown. Affected: yes.
ClinVar note: Converted during submission from likely benign to Likely benign.

NM_000138.5(FBN1):c.2433C>T (p.Cys811=)

Gene: FBN1 (fibrillin 1; minus strand). Cytogenetic location: 15q21.1.
Variant type: single nucleotide variant.
Coding change: c.2433C>T on transcript NM_000138.5 (MANE Select); coding-DNA position 2433, C replaced by T.
Protein change: p.Cys811=; no amino-acid change (cysteine 811 retained).
Molecular consequence: synonymous variant.
Genome position (GRCh38, 1-based): chr15:48,495,575, G>A on the plus strand (C>T on the coding strand, the complement: FBN1 is on the minus strand). VCF-style: chr15-48495575-G-A. GRCh37 (hg19) VCF-style: chr15-48787772-G-A.
Identifiers: ClinVar variation 36050 (VCV000036050.53), dbSNP rs193921256, ClinGen allele CA013052.